The following is an entry in ClinVar:

ClinVar aggregate classification (germline): Uncertain significance. Review status: criteria provided, multiple submitters, no conflicts (2 of 4 stars). 3 submissions from 3 submitters: Uncertain significance (3). Last evaluated 2025-08-07.

Conditions:
Multiple endocrine neoplasia, type 2 (MEN2). Identifiers: Orphanet 653, MedGen C4048306, MONDO:0019003. Disease mechanism: gain of function.
Hereditary cancer-predisposing syndrome. Also called: Hereditary neoplastic syndrome; Neoplastic Syndromes, Hereditary; Tumor predisposition; Hereditary Cancer Syndrome. Identifiers: Orphanet 140162, MedGen C0027672, MeSH D009386, MONDO:0015356.
Multiple endocrine neoplasia type 2B. Also called: MUCOSAL NEUROMA SYNDROME; Multiple endocrine neoplasia, type 3; MULTIPLE ENDOCRINE NEOPLASIA, TYPE IIB; Multiple Endocrine Neoplasia Type 2B (MEN2B); MEN IIB; NEUROMATA, MUCOSAL, WITH ENDOCRINE TUMORS. Identifiers: Orphanet 247709, Orphanet 653, MedGen C0025269, MeSH D018814, MONDO:0008082, OMIM 162300.
Hirschsprung disease, susceptibility to, 1 (HSCR1). Also called: RET-Related Hirschsprung Disease. Identifiers: Orphanet 388, MedGen C3888239, MONDO:0007723, OMIM 142623.
Pheochromocytoma. Also called: MAX-Related Hereditary Paraganglioma-Pheochromocytoma Syndrome. Identifiers: Orphanet 29072, MedGen C0031511, MONDO:0008233, OMIM 171300, HP:0002666.
Multiple endocrine neoplasia type 2A. Also called: MULTIPLE ENDOCRINE NEOPLASIA, TYPE IIA; PTC SYNDROME; SIPPLE SYNDROME; MEN 2A; MEN-2A syndrome; Pheochromocytoma and amyloid producing medullary thyroid carcinoma. Identifiers: Orphanet 247698, Orphanet 653, MedGen C0025268, MeSH D018813, MONDO:0008234, OMIM 171400.
Familial medullary thyroid carcinoma (MTC). Also called: Familial Medullary Thyroid Carcinoma (FMTC); Thyroid cancer, familial medullary; MTC, familial. Identifiers: Orphanet 653, Orphanet 99361, MedGen C1833921, MONDO:0007958, OMIM 155240.

Allele frequency attached by ClinVar (database versions not stated): gnomAD exomes below 0.00001.
gnomAD v4.1: 1 of 1,611,666 alleles (0.000062%); highest among the groups gnomAD compares: Non-Finnish European, 0.000085%; no homozygotes.

Submissions (3):

Labcorp Genetics (formerly Invitae), Labcorp
Classification: Uncertain significance for Multiple endocrine neoplasia, type 2. Last evaluated: 2025-08-07. Review status: criteria provided, single submitter. Criteria: Invitae Variant Classification Sherloc (09022015). Collection method: clinical testing. Allele origin: germline.
Comment: This sequence change replaces arginine, which is basic and polar, with histidine, which is basic and polar, at codon 817 of the RET protein (p.Arg817His). This variant is not present in population databases (gnomAD no frequency). This variant has not been reported in the literature in individuals affected with RET-related conditions. ClinVar contains an entry for this variant (Variation ID: 821298). An algorithm developed to predict the effect of missense changes on protein structure and function (PolyPhen-2) suggests that this variant is likely to be disruptive. In summary, the available evidence is currently insufficient to determine the role of this variant in disease. Therefore, it has been classified as a Variant of Uncertain Significance.

Fulgent Genetics
Classification: Uncertain significance for Hirschsprung disease, susceptibility to, 1; Familial medullary thyroid carcinoma; Multiple endocrine neoplasia type 2B; Pheochromocytoma; Multiple endocrine neoplasia type 2A. Last evaluated: 2021-09-28. Review status: criteria provided, single submitter. Criteria: ACMG Guidelines, 2015. Collection method: clinical testing. Allele origin: unknown.

Ambry Genetics
Classification: Uncertain significance for Hereditary cancer-predisposing syndrome. Last evaluated: 2018-11-06. Review status: criteria provided, single submitter. Criteria: Ambry Variant Classification Scheme 2023. Collection method: clinical testing. Allele origin: germline.
Comment: The p.R817H variant (also known as c.2450G>A), located in coding exon 14 of the RET gene, results from a G to A substitution at nucleotide position 2450. The arginine at codon 817 is replaced by histidine, an amino acid with highly similar properties. This amino acid position is highly conserved in available vertebrate species. In addition, this alteration is predicted to be deleterious by in silico analysis. Since supporting evidence is limited at this time, the clinical significance of this alteration remains unclear.

NM_020975.6(RET):c.2450G>A (p.Arg817His)

Gene: RET (ret proto-oncogene; plus strand). Cytogenetic location: 10q11.21.
Variant type: single nucleotide variant.
Coding change: c.2450G>A on transcript NM_020975.6 (MANE Select); coding-DNA position 2450, G replaced by A.
Protein change: p.Arg817His; replaces arginine 817 with histidine.
Molecular consequence: missense variant.
Genome position (GRCh38, 1-based): chr10:43,119,588, G>A. VCF-style: chr10-43119588-G-A. GRCh37 (hg19) VCF-style: chr10-43615036-G-A.
Other names: c.2054G>A, p.Arg685His (NM_001406769.1, NM_001406772.1); c.2162G>A, p.Arg721His (NM_001406770.1, NM_001406766.1, NM_001406767.1); c.2012G>A, p.Arg671His (NM_001406771.1, NM_001406773.1); c.1925G>A, p.Arg642His (NM_001406774.1); c.1724G>A, p.Arg575His (NM_001406775.1, NM_001406776.1, NM_001406777.1 and 1 more transcripts); c.2450G>A, p.Arg817His (NM_000323.2, NM_001406743.1, NM_001406744.1 and 4 more transcripts); c.1688G>A, p.Arg563His (NM_001355216.2); c.2321G>A, p.Arg774His (NM_001406761.1, NM_001406762.1, NM_001406764.1); and 10 more; short protein forms R563H, R817H, R382H, R478H, R487H, R575H, R642H, R334H.
Identifiers: ClinVar variation 821298 (VCV000821298.11), dbSNP rs1345166214, ClinGen allele CA376556208.